The following is an entry in ClinVar:

NM_007186.6(CEP250):c.2597G>A (p.Arg866His)

Genes: CEP250 (centrosomal protein 250; plus strand), CEP250-AS1 (CEP250 antisense RNA 1; minus strand). Cytogenetic location: 20q11.22.
Variant type: single nucleotide variant.
Coding change: c.2597G>A on transcript NM_007186.6 (MANE Select); coding-DNA position 2597, G replaced by A.
Protein change: p.Arg866His; replaces arginine 866 with histidine.
Molecular consequence: missense variant.
Genome position (GRCh38, 1-based): chr20:35,490,647, G>A. VCF-style: chr20-35490647-G-A. GRCh37 (hg19) VCF-style: chr20-34078473-G-A.
Other names: c.701G>A, p.Arg234His (NM_001318219.1); short protein forms R866H, R234H.
Identifiers: ClinVar variation 857103 (VCV000857103.13), dbSNP rs573133591, ClinGen allele CA9833235.

ClinVar aggregate classification (germline): Benign/Likely benign. Review status: criteria provided, multiple submitters, no conflicts (2 of 4 stars). 3 submissions from 3 submitters: Benign (1); Likely benign (1). 1 of the submissions does not count toward it. Last evaluated 2025-05-11.

Conditions:
CEP250-related disorder. Also called: CEP250-related condition.

Allele frequency attached by ClinVar (database versions not stated): gnomAD 0.00006 and 0.00011; TOPMed 0.00006; gnomAD exomes 0.00025; ExAC 0.00029; 1000 Genomes Project 0.00060; 1000 Genomes Project 30x 0.00062.
gnomAD v4.1: 206 of 1,612,834 alleles (0.013%); highest among the groups gnomAD compares: South Asian, 0.19%; 4 homozygotes.

Submissions (3):

Labcorp Genetics (formerly Invitae), Labcorp
Classification: Likely benign. Last evaluated: 2025-05-11. Review status: criteria provided, single submitter. Criteria: Invitae Variant Classification Sherloc (09022015). Collection method: clinical testing. Allele origin: germline.

Blueprint Genetics
Classification: Benign. Last evaluated: 2024-04-04. Review status: criteria provided, single submitter. Criteria: ACMG Guidelines, 2015. Collection method: clinical testing. Allele origin: germline.

PreventionGenetics, part of Exact Sciences
Classification: Likely benign for CEP250-related condition. Last evaluated: 2022-02-03. Review status: no assertion criteria provided. Collection method: clinical testing. Allele origin: germline. Not counted in ClinVar's aggregate classification.
Comment: This variant is classified as likely benign based on ACMG/AMP sequence variant interpretation guidelines (Richards et al. 2015 PMID: 25741868, with internal and published modifications).